The following is an entry in ClinVar:

NM_000717.5(CA4):c.764A>G (p.Lys255Arg)

Gene: CA4 (carbonic anhydrase 4; plus strand). Cytogenetic location: 17q23.1.
Variant type: single nucleotide variant.
Coding change: c.764A>G on transcript NM_000717.5 (MANE Select); coding-DNA position 764, A replaced by G.
Protein change: p.Lys255Arg; replaces lysine 255 with arginine.
Molecular consequence: missense variant. On other transcripts: non-coding transcript variant (1).
Genome position (GRCh38, 1-based): chr17:60,159,249, A>G. VCF-style: chr17-60159249-A-G. GRCh37 (hg19) VCF-style: chr17-58236610-A-G.
Other names: short protein forms K255R.
Identifiers: ClinVar variation 4693845 (VCV004693845.1).

ClinVar aggregate classification (germline): Uncertain significance (1 of 4 stars; one submission).

gnomAD v4.1: 2 of 1,605,504 alleles (0.00012%); highest among the groups gnomAD compares: African/African-American, 0.0027%; no homozygotes.

Submission:

Labcorp Genetics (formerly Invitae), Labcorp
Classification: Uncertain significance. Last evaluated: 2025-04-08. Review status: criteria provided, single submitter. Criteria: Invitae Variant Classification Sherloc (09022015). Collection method: clinical testing. Allele origin: germline.
Comment: This sequence change replaces lysine, which is basic and polar, with arginine, which is basic and polar, at codon 255 of the CA4 protein (p.Lys255Arg). This variant is not present in population databases (gnomAD no frequency). This variant has not been reported in the literature in individuals affected with CA4-related conditions. Invitae Evidence Modeling of protein sequence and biophysical properties (such as structural, functional, and spatial information, amino acid conservation, physicochemical variation, residue mobility, and thermodynamic stability) indicates that this missense variant is not expected to disrupt CA4 protein function with a negative predictive value of 80%. In summary, the available evidence is currently insufficient to determine the role of this variant in disease. Therefore, it has been classified as a Variant of Uncertain Significance.